The following is an entry in ClinVar:

NM_001025356.3(ANO6):c.1319G>A (p.Arg440His)

Gene: ANO6 (anoctamin 6; plus strand). Cytogenetic location: 12q12.
Variant type: single nucleotide variant.
Coding change: c.1319G>A on transcript NM_001025356.3 (MANE Select); coding-DNA position 1319, G replaced by A.
Protein change: p.Arg440His; replaces arginine 440 with histidine.
Molecular consequence: missense variant.
Genome position (GRCh38, 1-based): chr12:45,390,431, G>A. VCF-style: chr12-45390431-G-A. GRCh37 (hg19) VCF-style: chr12-45784214-G-A.
Other names: c.1265G>A, p.Arg422His (NM_001142678.2); c.1319G>A, p.Arg440His (NM_001142679.2); c.1382G>A, p.Arg461His (NM_001204803.2); c.1286G>A, p.Arg429His (NM_001410973.1); short protein forms R422H, R429H, R461H, R440H.
Identifiers: ClinVar variation 4526174 (VCV004526174.1).

ClinVar aggregate classification (germline): Uncertain significance (1 of 4 stars; one submission).

gnomAD v4.1: 25 of 1,613,548 alleles (0.0015%); highest among the groups gnomAD compares: Admixed American, 0.0033%; no homozygotes.

Submission:

Women's Health and Genetics/Laboratory Corporation of America, LabCorp
Classification: Uncertain significance. Last evaluated: 2025-07-28. Review status: criteria provided, single submitter. Criteria: LabCorp Variant Classification Summary - May 2015. Collection method: clinical testing. Allele origin: germline.
Comment: Variant summary: ANO6 c.1319G>A (p.Arg440His) results in a non-conservative amino acid change in the encoded protein sequence. Algorithms developed to predict the effect of missense changes on protein structure and function are either unavailable or do not agree on the potential impact of this missense change. The variant allele was found at a frequency of 3.2e-05 in 251376 control chromosomes. The available data on variant occurrences in the general population are insufficient to allow any conclusion about variant significance. To our knowledge, no occurrence of c.1319G>A in individuals affected with Scott Syndrome and no experimental evidence demonstrating its impact on protein function have been reported. No submitters have cited clinical-significance assessments for this variant to ClinVar. Based on the evidence outlined above, the variant was classified as uncertain significance.